The following is an entry in ClinVar:

ClinVar aggregate classification (germline): Uncertain significance. Review status: criteria provided, multiple submitters, no conflicts (2 of 4 stars). 2 submissions from 2 submitters: Uncertain significance (2). Last evaluated 2025-02-06.

Conditions:
Inborn genetic diseases. Identifiers: MedGen C0950123, MeSH D030342.

gnomAD v4.1: 1 of 1,613,976 alleles (0.000062%); highest among the groups gnomAD compares: African/African-American, 0.0013%; no homozygotes.

Submissions (2):

Labcorp Genetics (formerly Invitae), Labcorp
Classification: Uncertain significance. Last evaluated: 2025-02-06. Review status: criteria provided, single submitter. Criteria: Invitae Variant Classification Sherloc (09022015). Collection method: clinical testing. Allele origin: germline.
Comment: This sequence change replaces serine, which is neutral and polar, with asparagine, which is neutral and polar, at codon 59 of the MBD4 protein (p.Ser59Asn). This variant is not present in population databases (gnomAD no frequency). This variant has not been reported in the literature in individuals affected with MBD4-related conditions. An algorithm developed to predict the effect of missense changes on protein structure and function (PolyPhen-2) suggests that this variant is likely to be disruptive. In summary, the available evidence is currently insufficient to determine the role of this variant in disease. Therefore, it has been classified as a Variant of Uncertain Significance.

Ambry Genetics
Classification: Uncertain significance for Inborn genetic diseases. Last evaluated: 2025-01-11. Review status: criteria provided, single submitter. Criteria: Ambry Variant Classification Scheme 2023. Collection method: clinical testing. Allele origin: germline.
Comment: The p.S59N variant (also known as c.176G>A), located in coding exon 2 of the MBD4 gene, results from a G to A substitution at nucleotide position 176. The serine at codon 59 is replaced by asparagine, an amino acid with highly similar properties. This amino acid position is conserved. In addition, this alteration is predicted to be tolerated by in silico analysis. Based on the available evidence, the clinical significance of this variant remains unclear.

NM_001276270.2(MBD4):c.176G>A (p.Ser59Asn)

Gene: MBD4 (methyl-CpG binding domain 4, DNA glycosylase; minus strand). Cytogenetic location: 3q21.3.
Variant type: single nucleotide variant.
Coding change: c.176G>A on transcript NM_001276270.2 (MANE Select); coding-DNA position 176, G replaced by A.
Protein change: p.Ser59Asn; replaces serine 59 with asparagine.
Molecular consequence: missense variant.
Genome position (GRCh38, 1-based): chr3:129,437,879, C>T on the plus strand (G>A on the coding strand, the complement: MBD4 is on the minus strand). VCF-style: chr3-129437879-C-T. GRCh37 (hg19) VCF-style: chr3-129156722-C-T.
Other names: c.176G>A, p.Ser59Asn (NM_001276271.2, NM_001276272.2, NM_001276273.2 and 1 more transcripts); short protein forms S59N.
Identifiers: ClinVar variation 3870893 (VCV003870893.2).